The following is an entry in ClinVar:

ClinVar aggregate classification (germline): Likely pathogenic (3 of 4 stars; one submission).

Conditions:
Creatine transporter deficiency (CCDS1). Also called: CEREBRAL CREATINE DEFICIENCY SYNDROME 1; Mental retardation , X-linked with seizures, short stature and midface hypoplasia; Mental retardation , X-linked, with creatine transport deficiency; X-linked creatine transporter deficiency; X-linked creatine deficiency syndrome; SLC6A8-Related Creatine Transporter Deficiency. Identifiers: Orphanet 52503, MedGen C1845862, MONDO:0010305, OMIM 300352.

Submission:

ClinGen Cerebral Creatine Deficiency Syndromes Variant Curation Expert Panel, ClinGen
Classification: Likely pathogenic for Creatine transporter deficiency. Last evaluated: 2024-04-11. Review status: reviewed by expert panel. Criteria: ClinGen_CCDS_ACMG_Specifications_SLC6A8_v1.1. Collection method: curation. Allele origin: germline. Inheritance: X-linked inheritance.
Comment: The NM_005629.4:c.757G>C variant in SLC6A8 is a missense variant that is predicted to result in the substitution of a glycine for an arginine at amino acid 253 (p.Gly253Arg). The variant is absent in gnomAD v2.1.1. (PM2_Supporting). The computational predictor REVEL gives a score of 0.90 which is above the threshold of 0.75, evidence that correlates with impact to SLC6A8 function (PP3). There is no ClinVar entry for this variant. In summary, this variant meets criteria to be classified as likely pathogenic for creatine transporter deficiency. SLC6A8-specific criteria applied, as specified by the ClinGen CCDS VCEP (Specifications Version 1.1.0): PM2_Supporting, PP3, PP4_Strong. (Classification approved by the ClinGen CCDS VCEP on April 11, 2024).

NM_005629.4(SLC6A8):c.757G>C (p.Gly253Arg)

Gene: SLC6A8 (solute carrier family 6 member 8; plus strand). Cytogenetic location: Xq28.
Variant type: single nucleotide variant.
Coding change: c.757G>C on transcript NM_005629.4 (MANE Select); coding-DNA position 757, G replaced by C.
Protein change: p.Gly253Arg; replaces glycine 253 with arginine.
Molecular consequence: missense variant.
Genome position (GRCh38, 1-based): chrX:153,692,087, G>C. VCF-style: chrX-153692087-G-C. GRCh37 (hg19) VCF-style: chrX-152957542-G-C.
Other names: NM_001142805.2:c.757G>C; c.412G>C, p.Gly138Arg (NM_001142806.1); c.757G>C, p.Gly253Arg (NM_001142805.2); short protein forms G138R, G253R.
Identifiers: ClinVar variation 3256148 (VCV003256148.1).